The following is an entry in ClinVar:

NM_000038.6(APC):c.531+16G>A

Gene: APC (APC regulator of Wnt signaling pathway; plus strand). Cytogenetic location: 5q22.2.
Variant type: single nucleotide variant.
Coding change: c.531+16G>A on transcript NM_000038.6 (MANE Select); 16 bases into the intron after coding-DNA position 531, G replaced by A.
Molecular consequence: intron variant.
Genome position (GRCh38, 1-based): chr5:112,775,753, G>A. VCF-style: chr5-112775753-G-A. GRCh37 (hg19) VCF-style: chr5-112111450-G-A.
Other names: c.531+16G>A (NM_001354895.2, NM_001127510.3, NM_001354896.2 and 2 more transcripts); c.561+16G>A (NM_001354897.2, NM_001354902.2, NM_001127511.3); c.456+16G>A (NM_001354898.2, NM_001354904.2); c.-505+16G>A (NM_001354906.2); c.354+16G>A (NM_001354900.2, NM_001354901.2, NM_001354905.2).
Identifiers: ClinVar variation 388736 (VCV000388736.6), dbSNP rs770126046, ClinGen allele CA041353.

ClinVar aggregate classification (germline): Likely benign. Review status: criteria provided, multiple submitters, no conflicts (2 of 4 stars). 5 submissions from 5 submitters: Likely benign (4). 1 of the submissions does not count toward it. Last evaluated 2025-04-08.

Conditions:
Hereditary cancer-predisposing syndrome. Also called: Tumor predisposition; Neoplastic Syndromes, Hereditary; Hereditary neoplastic syndrome; Hereditary Cancer Syndrome. Identifiers: Orphanet 140162, MedGen C0027672, MeSH D009386, MONDO:0015356.
Familial adenomatous polyposis 1 (FAP1). Also called: FAMILIAL ADENOMATOUS POLYPOSIS 1, ATTENUATED; POLYPOSIS, ADENOMATOUS INTESTINAL. Identifiers: MedGen C2713442, MONDO:0021056, OMIM 175100. Disease mechanism: loss of function.

Allele frequency attached by ClinVar (database versions not stated): gnomAD exomes 0.00003 and 0.00004; TOPMed 0.00004; ExAC 0.00007.
gnomAD v4.1: 40 of 1,372,952 alleles (0.0029%); highest among the groups gnomAD compares: Admixed American, 0.015%; no homozygotes.

Submissions (5):

Molecular Diagnostics Laboratory, Catalan Institute of Oncology
Classification: Likely benign for Hereditary cancer-predisposing syndrome. Last evaluated: 2025-04-08. Review status: criteria provided, single submitter. Criteria: ClinGen ACMG Specifications APC V1.0.0. Collection method: clinical testing. Allele origin: germline.
Comment: BS1, BP4, BP7 c.531+16G>A, is an intronic variant not very close to a canonical splice site, where the SpliceAI algorithm/recommended splicing algorithms (MaxEntScan, NNSplice, SpliceAI) predicts no significant impact on splicing (BP4 and BP7). The variant allele was found in 4/27589 alleles, with a filter allele frequency of 0.005% at 95% confidence, within the Latino population in the gnomAD v2.1.1 database (non-cancer data set) (BS1). To our knowledge, neither relevant clinical data nor well-stablished functional studies have been reported for this variant. It has been reported in ClinVar as a likely benign variant. Based on the currently available information, c.531+16G>A is classified as a likely benign variant according to ClinGen-APC Guidelines version 1.

Blueprint Genetics
Classification: Likely benign. Last evaluated: 2023-01-26. Review status: criteria provided, single submitter. Criteria: ACMG Guidelines, 2015. Collection method: clinical testing. Allele origin: germline.

GeneDx
Classification: Likely benign. Last evaluated: 2017-09-19. Review status: criteria provided, single submitter. Criteria: GeneDx Variant Classification (06012015). Collection method: clinical testing. Allele origin: germline. Affected: yes.
Comment: This variant is considered likely benign or benign based on one or more of the following criteria: it is a conservative change, it occurs at a poorly conserved position in the protein, it is predicted to be benign by multiple in silico algorithms, and/or has population frequency not consistent with disease.

Color Diagnostics, LLC DBA Color Health
Classification: Likely benign for Hereditary cancer-predisposing syndrome. Last evaluated: 2017-01-16. Review status: criteria provided, single submitter. Criteria: ACMG Guidelines, 2015. Collection method: clinical testing. Allele origin: germline.

Counsyl
Classification: Likely benign for Familial adenomatous polyposis 1. Last evaluated: 2017-05-01. Review status: no assertion criteria provided. Collection method: clinical testing. Allele origin: unknown. Not counted in ClinVar's aggregate classification.